The following is an entry in ClinVar:

NM_001377295.2(GNAT2):c.281A>C (p.Asp94Ala)

Gene: GNAT2 (G protein subunit alpha transducin 2; minus strand). Cytogenetic location: 1p13.3.
Variant type: single nucleotide variant.
Coding change: c.281A>C on transcript NM_001377295.2 (MANE Select); coding-DNA position 281, A replaced by C.
Protein change: p.Asp94Ala; replaces aspartic acid 94 with alanine.
Molecular consequence: missense variant.
Genome position (GRCh38, 1-based): chr1:109,610,062, T>G on the plus strand (A>C on the coding strand, the complement: GNAT2 is on the minus strand). VCF-style: chr1-109610062-T-G. GRCh37 (hg19) VCF-style: chr1-110152684-T-G.
Other names: c.281A>C, p.Asp94Ala (NM_001379232.1, NM_005272.5); short protein forms D94A.
Identifiers: ClinVar variation 1906021 (VCV001906021.8), dbSNP rs757130132, ClinGen allele CA992478.
Genomic context (GRCh38, chr1:109,610,062, plus strand): 5'-CTGCTTCCACCCTTAACCACATAATAGTAATCACATACCGCACAGCTTGGTTCAGCATAA[T>G]CGATGCCCAGTGTGGTCATGGCCCGGATGATAGCCAGGATGGACTGCAGCACATTTCCAT-3'
Protein context (NP_001364224.1, residues 84-104): IIRAMTTLGI[Asp94Ala]YAEPSCADDG

ClinVar aggregate classification (germline): Uncertain significance. Review status: criteria provided, multiple submitters, no conflicts (2 of 4 stars). 3 submissions from 3 submitters: Uncertain significance (3). Last evaluated 2026-01-12.

Conditions:
Inborn genetic diseases. Identifiers: MedGen C0950123, MeSH D030342.
Achromatopsia 4 (ACHM4). Identifiers: Orphanet 49382, MedGen C1841721, MONDO:0013465, OMIM 613856.

Allele frequency attached by ClinVar (database versions not stated): TOPMed below 0.00001; ExAC 0.00001; gnomAD exomes 0.00002; gnomAD 0.00003.
gnomAD v4.1: 39 of 1,614,002 alleles (0.0024%); highest among the groups gnomAD compares: Non-Finnish European, 0.0028%; no homozygotes.

Submissions (3):

Labcorp Genetics (formerly Invitae), Labcorp
Classification: Uncertain significance. Last evaluated: 2026-01-12. Review status: criteria provided, single submitter. Criteria: Invitae Variant Classification Sherloc (09022015). Collection method: clinical testing. Allele origin: germline.
Comment: This sequence change replaces aspartic acid, which is acidic and polar, with alanine, which is neutral and non-polar, at codon 94 of the GNAT2 protein (p.Asp94Ala). This variant is present in population databases (rs757130132, gnomAD 0.004%). This variant has not been reported in the literature in individuals affected with GNAT2-related conditions. ClinVar contains an entry for this variant (Variation ID: 1906021). Invitae Evidence Modeling of protein sequence and biophysical properties (such as structural, functional, and spatial information, amino acid conservation, physicochemical variation, residue mobility, and thermodynamic stability) indicates that this missense variant is not expected to disrupt GNAT2 protein function with a negative predictive value of 80%. In summary, the available evidence is currently insufficient to determine the role of this variant in disease. Therefore, it has been classified as a Variant of Uncertain Significance.

Ambry Genetics
Classification: Uncertain significance for Inborn genetic diseases. Last evaluated: 2025-05-28. Review status: criteria provided, single submitter. Criteria: Ambry Variant Classification Scheme 2023. Collection method: clinical testing. Allele origin: germline.

Genome-Nilou Lab
Classification: Uncertain significance for Achromatopsia 4. Last evaluated: 2023-04-11. Review status: criteria provided, single submitter. Criteria: ACMG Guidelines, 2015. Collection method: clinical testing. Allele origin: germline. Affected: no.